The following is an entry in ClinVar:

NM_015662.3(IFT172):c.1671_1672dup (p.Val558fs)

Gene: IFT172 (intraflagellar transport 172; minus strand). Cytogenetic location: 2p23.3.
Variant type: Microsatellite.
Coding change: c.1671_1672dup on transcript NM_015662.3 (MANE Select); coding-DNA positions 1671 to 1672, 2 bases duplicated (AG; older notation c.1671_1672dupAG).
Protein change: p.Val558fs; shifts the reading frame from valine 558.
Molecular consequence: frameshift variant.
Genome position (GRCh38, 1-based): chr2:27,470,948-27,470,949, CT duplicated on the plus strand (AG on the coding strand, the reverse complement: IFT172 is on the minus strand); duplicating any 2 consecutive bases within chr2:27,470,948-27,470,954 gives the same sequence; the c. name uses the placement nearest the transcript's 3' end. VCF-style (leftmost placement, unchanged base first): chr2-27470947-A-ACT. GRCh37 (hg19) VCF-style: chr2-27693814-A-ACT.
Other names: short protein forms V558fs.
Identifiers: ClinVar variation 97029 (VCV000097029.5), dbSNP rs587777083, ClinGen allele CA149730.

ClinVar aggregate classification (germline): Pathogenic. Review status: criteria provided, single submitter (1 of 4 stars). 2 submissions from 2 submitters: Pathogenic (1). 1 of the submissions does not count toward it. Last evaluated 2022-05-10.

Conditions:
Short-rib thoracic dysplasia 10 with or without polydactyly (SRTD10). Identifiers: Orphanet 474, MedGen C3810175, MONDO:0014284, OMIM 615630.
Retinitis pigmentosa 71 (RP71). Identifiers: Orphanet 791, MedGen C4225342, MONDO:0014618, OMIM 616394.
Short-rib thoracic dysplasia 10 with polydactyly. Identifiers: MedGen C4017085.

Submissions (2):

Labcorp Genetics (formerly Invitae), Labcorp
Classification: Pathogenic for Retinitis pigmentosa 71; Short-rib thoracic dysplasia 10 with or without polydactyly. Last evaluated: 2022-05-10. Review status: criteria provided, single submitter. Criteria: Invitae Variant Classification Sherloc (09022015). Collection method: clinical testing. Allele origin: germline.
Comment: Algorithms developed to predict the effect of sequence changes on RNA splicing suggest that this variant may disrupt the consensus splice site. For these reasons, this variant has been classified as Pathogenic. This premature translational stop signal has been observed in individual(s) with asphyxiating thoracic dystrophy (PMID: 24140113). In at least one individual the data is consistent with being in trans (on the opposite chromosome) from a pathogenic variant. This variant is not present in population databases (gnomAD no frequency). This sequence change creates a premature translational stop signal (p.Val558Glufs*12) in the IFT172 gene. It is expected to result in an absent or disrupted protein product. Loss-of-function variants in IFT172 are known to be pathogenic (PMID: 24140113).

OMIM
Classification: Pathogenic for SHORT-RIB THORACIC DYSPLASIA 10 WITH POLYDACTYLY. Last evaluated: 2013-11-07. Review status: no assertion criteria provided. Collection method: literature only. Allele origin: germline. Not counted in ClinVar's aggregate classification.

Literature cited by the submitters: PubMed 24140113 (cited by Labcorp Genetics (formerly Invitae), Labcorp and OMIM).